The following is an entry in ClinVar:

ClinVar aggregate classification (germline): Uncertain significance. Review status: criteria provided, multiple submitters, no conflicts (2 of 4 stars). 5 submissions from 5 submitters: Uncertain significance (5). Last evaluated 2026-08-16.

Conditions:
Cardiovascular phenotype. Identifiers: MedGen CN230736.
Ehlers-Danlos syndrome, classic type, 1 (EDSCL1). Also called: Ehlers-Danlos syndrome, type 1; Ehlers-Danlos Syndrome, Classic Type, COL5A1-Related; EDS I; EHLERS-DANLOS SYNDROME, GRAVIS TYPE; EHLERS-DANLOS SYNDROME, SEVERE CLASSIC TYPE. Identifiers: MedGen C0268335, MONDO:0019567, OMIM 130000.
Osteogenesis imperfecta type I (OI1). Also called: Lobstein's Disease; Lobstein disease; OI, TYPE I; OSTEOGENESIS IMPERFECTA TARDA; OSTEOGENESIS IMPERFECTA WITH BLUE SCLERAE; Osteogenesis imperfecta type 1. Identifiers: Orphanet 216796, Orphanet 666, MedGen C0023931, MONDO:0008146, OMIM 166200. Disease mechanism: loss of function.
Combined osteogenesis imperfecta and Ehlers-Danlos syndrome 2. Also called: OIEDS SYNDROME 2. Identifiers: MedGen C5436847, MONDO:0030855, OMIM 619120.

Allele frequency attached by ClinVar (database versions not stated): gnomAD exomes below 0.00001.
gnomAD v4.1: 6 of 1,612,684 alleles (0.00037%); highest among the groups gnomAD compares: Non-Finnish European, 0.00051%; no homozygotes.

Submissions (5):

Ambry Genetics
Classification: Uncertain significance for Cardiovascular phenotype. Last evaluated: 2026-08-16. Review status: criteria provided, single submitter. Criteria: Ambry Variant Classification Scheme 2023. Collection method: clinical testing. Allele origin: germline.
Comment: The p.E749Q variant (also known as c.2245G>C), located in coding exon 37 of the COL1A2 gene, results from a G to C substitution at nucleotide position 2245. The glutamic acid at codon 749 is replaced by glutamine, an amino acid with highly similar properties. This amino acid position is conserved. In addition, the in silico prediction for this alteration is inconclusive. Based on the available evidence, the clinical significance of this variant remains unclear.

Women's Health and Genetics/Laboratory Corporation of America, LabCorp
Classification: Uncertain significance. Last evaluated: 2025-03-20. Review status: criteria provided, single submitter. Criteria: LabCorp Variant Classification Summary - May 2015. Collection method: clinical testing. Allele origin: germline.
Comment: Variant summary: COL1A2 c.2245G>C (p.Glu749Gln) results in a conservative amino acid change in the encoded protein sequence. Three of five in-silico tools predict a damaging effect of the variant on protein function. The frequency data for this variant in gnomAD is considered unreliable, as metrics indicate poor data quality at this position. To our knowledge, no occurrence of c.2245G>C in individuals affected with Ehlers-Danlos syndrome, cardiac valvular type and no experimental evidence demonstrating its impact on protein function have been reported. ClinVar contains an entry for this variant (Variation ID: 1920444). Based on the evidence outlined above, the variant was classified as uncertain significance.

Institute of Immunology and Genetics Kaiserslautern
Classification: Uncertain significance for Combined osteogenesis imperfecta and Ehlers-Danlos syndrome 2. Last evaluated: 2024-02-02. Review status: criteria provided, single submitter. Criteria: ACMG Guidelines, 2015. Collection method: clinical testing. Allele origin: maternal. Affected: yes.
Comment: ACMG Criteria: PM2_P, PM1, PP2; Variant was found in heterozygous state

Blueprint Genetics
Classification: Uncertain significance. Last evaluated: 2022-11-11. Review status: criteria provided, single submitter. Criteria: ACMG Guidelines, 2015. Collection method: clinical testing. Allele origin: germline.

Labcorp Genetics (formerly Invitae), Labcorp
Classification: Uncertain significance for Osteogenesis imperfecta type I; Ehlers-Danlos syndrome, classic type, 1. Last evaluated: 2022-03-21. Review status: criteria provided, single submitter. Criteria: Invitae Variant Classification Sherloc (09022015). Collection method: clinical testing. Allele origin: germline.
Comment: Advanced modeling of protein sequence and biophysical properties (such as structural, functional, and spatial information, amino acid conservation, physicochemical variation, residue mobility, and thermodynamic stability) performed at Invitae indicates that this missense variant is not expected to disrupt COL1A2 protein function. This sequence change replaces glutamic acid, which is acidic and polar, with glutamine, which is neutral and polar, at codon 749 of the COL1A2 protein (p.Glu749Gln). This variant is not present in population databases (gnomAD no frequency). This variant has not been reported in the literature in individuals affected with COL1A2-related conditions. In summary, the available evidence is currently insufficient to determine the role of this variant in disease. Therefore, it has been classified as a Variant of Uncertain Significance.

NM_000089.4(COL1A2):c.2245G>C (p.Glu749Gln)

Gene: COL1A2 (collagen type I alpha 2 chain; plus strand). Cytogenetic location: 7q21.3.
Variant type: single nucleotide variant.
Coding change: c.2245G>C on transcript NM_000089.4 (MANE Select); coding-DNA position 2245, G replaced by C.
Protein change: p.Glu749Gln; replaces glutamic acid 749 with glutamine.
Molecular consequence: missense variant.
Genome position (GRCh38, 1-based): chr7:94,420,598, G>C. VCF-style: chr7-94420598-G-C. GRCh37 (hg19) VCF-style: chr7-94049910-G-C.
Other names: short protein forms E749Q.
Identifiers: ClinVar variation 1920444 (VCV001920444.9), dbSNP rs2484725723, ClinGen allele CA368223548.
Genomic context (GRCh38, chr7:94,420,598, plus strand): 5'-CAGGGTGCTGCTGGTCAACCTGGTGCTAAAGGAGAAAGAGGAGCCAAAGGGCCTAAGGGT[G>C]AAAACGGTGTTGTTGGTCCCACAGGCCCCGTTGGAGCTGCTGGCCCAGCTGTAAGTTGAA-3'
Protein context (NP_000080.2, residues 739-759): GERGAKGPKG[Glu749Gln]NGVVGPTGPV